The following is an entry in ClinVar:

ClinVar aggregate classification (germline): Uncertain significance. Review status: criteria provided, multiple submitters, no conflicts (2 of 4 stars). 3 submissions from 3 submitters: Uncertain significance (3). Last evaluated 2025-06-29.

Conditions:
Inborn genetic diseases. Identifiers: MedGen C0950123, MeSH D030342.

gnomAD v4.1: 82 of 1,613,812 alleles (0.0051%); highest among the groups gnomAD compares: Non-Finnish European, 0.0064%; no homozygotes.

Submissions (3):

Labcorp Genetics (formerly Invitae), Labcorp
Classification: Uncertain significance. Last evaluated: 2025-06-29. Review status: criteria provided, single submitter. Criteria: Invitae Variant Classification Sherloc (09022015). Collection method: clinical testing. Allele origin: germline.
Comment: This sequence change replaces glutamic acid, which is acidic and polar, with lysine, which is basic and polar, at codon 2430 of the ITPR1 protein (p.Glu2430Lys). This variant is present in population databases (rs775129963, gnomAD 0.004%). This variant has not been reported in the literature in individuals affected with ITPR1-related conditions. ClinVar contains an entry for this variant (Variation ID: 3393742). Invitae Evidence Modeling of protein sequence and biophysical properties (such as structural, functional, and spatial information, amino acid conservation, physicochemical variation, residue mobility, and thermodynamic stability) indicates that this missense variant is not expected to disrupt ITPR1 protein function with a negative predictive value of 95%. In summary, the available evidence is currently insufficient to determine the role of this variant in disease. Therefore, it has been classified as a Variant of Uncertain Significance.

Ambry Genetics
Classification: Uncertain significance for Inborn genetic diseases. Last evaluated: 2024-12-07. Review status: criteria provided, single submitter. Criteria: Ambry Variant Classification Scheme 2023. Collection method: clinical testing. Allele origin: germline.

GeneDx
Classification: Uncertain significance. Last evaluated: 2024-07-01. Review status: criteria provided, single submitter. Criteria: GeneDx Variant Classification Process June 2021. Collection method: clinical testing. Allele origin: germline. Affected: yes.
Comment: In silico analysis indicates that this missense variant does not alter protein structure/function; Has not been previously published as pathogenic or benign to our knowledge

NM_001378452.1(ITPR1):c.7477G>A (p.Glu2493Lys)

Gene: ITPR1 (inositol 1,4,5-trisphosphate receptor type 1; plus strand). Cytogenetic location: 3p26.1.
Variant type: single nucleotide variant.
Coding change: c.7477G>A on transcript NM_001378452.1 (MANE Select); coding-DNA position 7477, G replaced by A.
Protein change: p.Glu2493Lys; replaces glutamic acid 2493 with lysine.
Molecular consequence: missense variant.
Genome position (GRCh38, 1-based): chr3:4,813,150, G>A. VCF-style: chr3-4813150-G-A. GRCh37 (hg19) VCF-style: chr3-4854834-G-A.
Other names: c.7288G>A, p.Glu2430Lys (NM_002222.7); c.7333G>A, p.Glu2445Lys (NM_001099952.4); c.7432G>A, p.Glu2478Lys (NM_001168272.2); short protein forms E2430K, E2493K, E2478K, E2445K.
Identifiers: ClinVar variation 3393742 (VCV003393742.3).